The following is an entry in ClinVar:

ClinVar aggregate classification (germline): Uncertain significance. Review status: criteria provided, multiple submitters, no conflicts (2 of 4 stars). 4 submissions from 4 submitters: Uncertain significance (4). Last evaluated 2025-06-22.

Conditions:
Lymphangiomyomatosis (LAM). Also called: Lymphangioleiomyomatosis, somatic; Lymphangioleiomyomatosis. Identifiers: Orphanet 538, MedGen C0751674, MONDO:0011705, OMIM 606690.
Isolated focal cortical dysplasia type II (FCORD2). Also called: Focal cortical dysplasia type II; CORTICAL DYSPLASIA OF TAYLOR. Identifiers: Orphanet 268994, MedGen C1846385, MONDO:0011818, OMIM 607341, HP:0032051.
Tuberous sclerosis 2 (TSC2). Identifiers: Orphanet 805, MedGen C1860707, MONDO:0013199, OMIM 613254.
Hereditary cancer-predisposing syndrome. Also called: Neoplastic Syndromes, Hereditary; Hereditary Cancer Syndrome; Tumor predisposition; Hereditary neoplastic syndrome. Identifiers: Orphanet 140162, MedGen C0027672, MeSH D009386, MONDO:0015356.
Tuberous sclerosis syndrome (TSC). Also called: Tuberous sclerosis; Tuberous Sclerosis Complex. Identifiers: Orphanet 805, MedGen C0041341, MONDO:0001734.

Submissions (4):

Ambry Genetics
Classification: Uncertain significance for Hereditary cancer-predisposing syndrome. Last evaluated: 2025-06-22. Review status: criteria provided, single submitter. Criteria: Ambry Variant Classification Scheme 2023. Collection method: clinical testing. Allele origin: germline.
Comment: The p.E175Q variant (also known as c.523G>C), located in coding exon 5 of the TSC2 gene, results from a G to C substitution at nucleotide position 523. The glutamic acid at codon 175 is replaced by glutamine, an amino acid with highly similar properties. This amino acid position is conserved. In addition, the in silico prediction for this alteration is inconclusive. Based on the available evidence, the clinical significance of this variant remains unclear.

Color Diagnostics, LLC DBA Color Health
Classification: Uncertain significance for Tuberous sclerosis syndrome. Last evaluated: 2025-06-17. Review status: criteria provided, single submitter. Criteria: ACMG Guidelines, 2015. Collection method: clinical testing. Allele origin: germline.
Comment: This missense variant replaces glutamic acid with glutamine at codon 175 of the TSC2 protein. Computational prediction suggests that this variant may not impact protein structure and function. To our knowledge, functional studies have not been reported for this variant. This variant has not been reported in individuals affected with TSC2-related disorders in the literature. This variant has not been identified in the general population by the Genome Aggregation Database (gnomAD). The available evidence is insufficient to determine the role of this variant in disease conclusively. Therefore, this variant is classified as a Variant of Uncertain Significance.

Fulgent Genetics
Classification: Uncertain significance for Lymphangiomyomatosis; Isolated focal cortical dysplasia type II; Tuberous sclerosis 2. Last evaluated: 2021-07-08. Review status: criteria provided, single submitter. Criteria: ACMG Guidelines, 2015. Collection method: clinical testing. Allele origin: unknown.

Labcorp Genetics (formerly Invitae), Labcorp
Classification: Uncertain significance for Tuberous sclerosis 2. Last evaluated: 2020-10-04. Review status: criteria provided, single submitter. Criteria: Invitae Variant Classification Sherloc (09022015). Collection method: clinical testing. Allele origin: germline.
Comment: Advanced modeling of protein sequence and biophysical properties (such as structural, functional, and spatial information, amino acid conservation, physicochemical variation, residue mobility, and thermodynamic stability) performed at Invitae indicates that this missense variant is not expected to disrupt TSC2 protein function. In summary, the available evidence is currently insufficient to determine the role of this variant in disease. Therefore, it has been classified as a Variant of Uncertain Significance. This variant has not been reported in the literature in individuals with TSC2-related conditions. This sequence change replaces glutamic acid with glutamine at codon 175 of the TSC2 protein (p.Glu175Gln). The glutamic acid residue is moderately conserved and there is a small physicochemical difference between glutamic acid and glutamine. This variant is not present in population databases (ExAC no frequency).

NM_000548.5(TSC2):c.523G>C (p.Glu175Gln)

Gene: TSC2 (TSC complex subunit 2; plus strand). Cytogenetic location: 16p13.3.
Variant type: single nucleotide variant.
Coding change: c.523G>C on transcript NM_000548.5 (MANE Select); coding-DNA position 523, G replaced by C.
Protein change: p.Glu175Gln; replaces glutamic acid 175 with glutamine.
Molecular consequence: missense variant. On other transcripts: intron variant (1).
Genome position (GRCh38, 1-based): chr16:2,055,443, G>C. VCF-style: chr16-2055443-G-C. GRCh37 (hg19) VCF-style: chr16-2105444-G-C.
Other names: c.-1-753G>C (NM_001318831.2); c.523G>C (NM_000548.3); c.523G>C, p.Glu175Gln (NM_001077183.3, NM_001114382.3, NM_001363528.2 and 3 more transcripts); c.412G>C, p.Glu138Gln (NM_001318827.2); c.376G>C, p.Glu126Gln (NM_001318829.2); c.556G>C, p.Glu186Gln (NM_001318832.2); short protein forms E138Q, E175Q, E186Q, E126Q.
Identifiers: ClinVar variation 1035715 (VCV001035715.11), dbSNP rs1555498151, ClinGen allele CA394309307.
Genomic context (GRCh38, chr16:2,055,443, plus strand): 5'-GCCGCCGCTTCTCCCCCAGCTGACTTTGTCCTGCAGTGGATGGATGTTGGCTTGTCCTCG[G>C]AATTCCTTCTGGTGCTGGTGAACTTGGTCAAATTCAATAGCTGTTACCTCGACGAGTACA-3'
Protein context (NP_000539.2, residues 165-185): LQWMDVGLSS[Glu175Gln]FLLVLVNLVK